The following is an entry in ClinVar:

ClinVar aggregate classification (germline): Conflicting classifications of pathogenicity. Review status: criteria provided, conflicting classifications (1 of 4 stars). 5 submissions from 5 submitters: Uncertain significance (1); Likely benign (3). 1 of the submissions does not count toward it. Last evaluated 2025-09-12.

Conditions:
PLEC-related disorder. Also called: PLEC-related disorders; PLEC-related condition.
Epidermolysis bullosa simplex with nail dystrophy (EBS5D). Identifiers: MedGen C4225309, MONDO:0014661, OMIM 616487.
Epidermolysis bullosa simplex, Ogna type (EBS5A). Also called: Pidermolysis bullosa simplex 5A, Ogna type; EPIDERMOLYSIS BULLOSA SIMPLEX 5A, OGNA TYPE. Identifiers: Orphanet 79401, MedGen C0432317, MONDO:0007555, OMIM 131950.
Epidermolysis bullosa simplex 5C, with pyloric atresia (EBS5C). Also called: PLEC1-Related Epidermolysis Bullosa with Pyloric Atresia; PLEC-Related Epidermolysis Bullosa with Pyloric Atresia; Epidermolysis bullosa simplex with pyloric atresia. Identifiers: Orphanet 158684, MedGen C2677349, MONDO:0012807, OMIM 612138.
Epidermolysis bullosa simplex 5B, with muscular dystrophy (EBS5B). Also called: Epidermolysis bullosa simplex with muscular dystrophy; EPIDERMOLYSIS BULLOSA SIMPLEX AND LIMB-GIRDLE MUSCULAR DYSTROPHY. Identifiers: Orphanet 257, MedGen C2931072, MONDO:0009181, OMIM 226670.
Autosomal recessive limb-girdle muscular dystrophy type 2Q (LGMDR17). Also called: MUSCULAR DYSTROPHY, LIMB-GIRDLE, AUTOSOMAL RECESSIVE 17. Identifiers: Orphanet 254361, MedGen C3150989, MONDO:0013390, OMIM 613723.

Allele frequency attached by ClinVar (database versions not stated): TOPMed 0.00009; ESP Exome Variant Server 0.00024.
gnomAD v4.1: 78 of 1,612,924 alleles (0.0048%); highest among the groups gnomAD compares: Admixed American, 0.023%; no homozygotes.

Submissions (5):

Labcorp Genetics (formerly Invitae), Labcorp
Classification: Likely benign for Autosomal recessive limb-girdle muscular dystrophy type 2Q; Epidermolysis bullosa simplex, Ogna type; Epidermolysis bullosa simplex with nail dystrophy; Epidermolysis bullosa simplex 5C, with pyloric atresia; Epidermolysis bullosa simplex 5B, with muscular dystrophy. Last evaluated: 2025-09-12. Review status: criteria provided, single submitter. Criteria: Invitae Variant Classification Sherloc (09022015). Collection method: clinical testing. Allele origin: germline.

Blueprint Genetics
Classification: Likely benign. Last evaluated: 2024-02-13. Review status: criteria provided, single submitter. Criteria: ACMG Guidelines, 2015. Collection method: clinical testing. Allele origin: germline.

CeGaT Center for Human Genetics Tuebingen
Classification: Likely benign. Last evaluated: 2020-05-01. Review status: criteria provided, single submitter. Criteria: CeGaT Center For Human Genetics Tuebingen Variant Classification Criteria Version 2. Collection method: clinical testing. Allele origin: germline. Affected: yes. Observed: 1 variant allele.

Eurofins Ntd Llc (ga)
Classification: Uncertain significance. Last evaluated: 2017-07-03. Review status: criteria provided, single submitter. Criteria: EGL Classification Definitions 2015. Collection method: clinical testing. Allele origin: germline. Observed: 1 variant allele, 1 heterozygote.

PreventionGenetics, part of Exact Sciences
Classification: Likely benign for PLEC-related condition. Last evaluated: 2019-12-07. Review status: no assertion criteria provided. Collection method: clinical testing. Allele origin: germline. Not counted in ClinVar's aggregate classification.
Comment: This variant is classified as likely benign based on ACMG/AMP sequence variant interpretation guidelines (Richards et al. 2015 PMID: 25741868, with internal and published modifications).

NM_201384.3(PLEC):c.1002C>T (p.Ala334=)

Gene: PLEC (plectin; minus strand). Cytogenetic location: 8q24.3.
Variant type: single nucleotide variant.
Coding change: c.1002C>T on transcript NM_201384.3 (MANE Select); coding-DNA position 1002, C replaced by T.
Protein change: p.Ala334=; no amino-acid change (alanine 334 retained).
Molecular consequence: synonymous variant.
Genome position (GRCh38, 1-based): chr8:143,934,674, G>A on the plus strand (C>T on the coding strand, the complement: PLEC is on the minus strand). VCF-style: chr8-143934674-G-A. GRCh37 (hg19) VCF-style: chr8-145008842-G-A.
Other names: c.1083C>T, p.Ala361= (NM_000445.5); c.960C>T, p.Ala320= (NM_201378.4); c.936C>T, p.Ala312= (NM_201379.3); c.1413C>T, p.Ala471= (NM_201380.4); c.906C>T, p.Ala302= (NM_201381.3); c.1002C>T, p.Ala334= (NM_201382.4); c.1014C>T, p.Ala338= (NM_201383.3).
Identifiers: ClinVar variation 593036 (VCV000593036.55), dbSNP rs370574829, ClinGen allele CA4928221.
Genomic context (GRCh38, chr8:143,934,674, plus strand): 5'-CCCTCCAGCGGTCCCACTCACCTCCAGGGATTGGTAGATGCCCTTGGACCTGTTCTTGTC[G>A]GCCTCCTTGGCTGGTAGCTCCATCTCCTTAAACTTCAGGAACTGAGACCACAGGATCTGC-3'
Protein context (NP_958786.1, residues 324-344): FKEMELPAKE[Ala334=]DKNRSKGIYQ